The following is an entry in ClinVar:

ClinVar aggregate classification (germline): Uncertain significance (1 of 4 stars; one submission).

Submission:

Labcorp Genetics (formerly Invitae), Labcorp
Classification: Uncertain significance. Last evaluated: 2023-05-02. Review status: criteria provided, single submitter. Criteria: Invitae Variant Classification Sherloc (09022015). Collection method: clinical testing. Allele origin: germline.
Comment: This sequence change creates a premature translational stop signal (p.Lys728*) in the RINT1 gene. While this is not anticipated to result in nonsense mediated decay, it is expected to disrupt the last 65 amino acid(s) of the RINT1 protein. In summary, the available evidence is currently insufficient to determine the role of this variant in disease. Therefore, it has been classified as a Variant of Uncertain Significance. Experimental studies and prediction algorithms are not available or were not evaluated, and the functional significance of this variant is currently unknown. ClinVar contains an entry for this variant (Variation ID: 2182673). This variant has not been reported in the literature in individuals affected with RINT1-related conditions. This variant is not present in population databases (gnomAD no frequency).

NM_021930.6(RINT1):c.2181dup (p.Lys728Ter)

Genes: EFCAB10 (EF-hand calcium binding domain 10; minus strand), RINT1 (RAD50 interactor 1; plus strand). Cytogenetic location: 7q22.3.
Variant type: Duplication.
Coding change: c.2181dup on transcript NM_021930.6 (MANE Select); coding-DNA position 2181, one base duplicated (T; older notation c.2181dupT).
Protein change: p.Lys728Ter; replaces lysine 728 with a stop codon.
Molecular consequence: nonsense. On other transcripts: non-coding transcript variant (1), intron variant (3).
Genome position (GRCh38, 1-based): chr7:105,565,643, T duplicated; the last of 4 consecutive T bases (chr7:105,565,640-105,565,643); duplicating any one gives the same sequence. VCF-style (leftmost placement, unchanged base first): chr7-105565639-A-AT. GRCh37 (hg19) VCF-style: chr7-105206086-A-AT.
Other names: c.1947dup, p.Lys650Ter (NM_001346599.2); c.1158dup, p.Lys387Ter (NM_001346600.2, NM_001346603.2); c.1257dup, p.Lys420Ter (NM_001346601.2); c.360-193dup (NM_001355531.2); c.384-193dup (NM_001355526.2); c.384-25dup (NM_001355530.2); short protein forms K728*, K650*, K387*, K420*.
Identifiers: ClinVar variation 2182673 (VCV002182673.4), dbSNP rs1791691502, ClinGen allele CA1731752154.
Genomic context (GRCh38, chr7:105,565,639, plus strand): 5'-TTGATATGACTCGGAATCTTTTCCCTTTGTTTTCTCACTATTGCAAGAGACCAGAAAATT[A>AT]TTTTAAACAGTAAGCTCAACATTTAACAATTAATATTAATGTATCAAATTGTTACAGGAG-3'